The following is an entry in ClinVar:

NM_000350.3(ABCA4):c.3296C>G (p.Ser1099Ter)

Gene: ABCA4 (ATP binding cassette subfamily A member 4; minus strand). Cytogenetic location: 1p22.1.
Variant type: single nucleotide variant.
Coding change: c.3296C>G on transcript NM_000350.3 (MANE Select); coding-DNA position 3296, C replaced by G.
Protein change: p.Ser1099Ter; replaces serine 1099 with a stop codon.
Molecular consequence: nonsense.
Genome position (GRCh38, 1-based): chr1:94,042,793, G>C on the plus strand (C>G on the coding strand, the complement: ABCA4 is on the minus strand). VCF-style: chr1-94042793-G-C. GRCh37 (hg19) VCF-style: chr1-94508349-G-C.
Other names: c.3074C>G, p.Ser1025Ter (NM_001425324.1); short protein forms S1099*, S1025*.
Identifiers: ClinVar variation 1213969 (VCV001213969.9), dbSNP rs776773510, ClinGen allele CA341292011.

ClinVar aggregate classification (germline): Pathogenic. Review status: criteria provided, multiple submitters, no conflicts (2 of 4 stars). 2 submissions from 2 submitters: Pathogenic (2). Last evaluated 2022-04-12.

Conditions:
Severe early-childhood-onset retinal dystrophy (STGD1). Also called: Stargardt macular dystrophy; Juvenile onset macular degeneration; Stargardt disease 1; MACULAR DYSTROPHY WITH FLECKS, TYPE 1; STGD. Identifiers: Orphanet 364055, Orphanet 827, MedGen C1855465, MeSH D000080362, MONDO:0009549, OMIM 248200.

Submissions (2):

Labcorp Genetics (formerly Invitae), Labcorp
Classification: Pathogenic. Last evaluated: 2022-04-12. Review status: criteria provided, single submitter. Criteria: Invitae Variant Classification Sherloc (09022015). Collection method: clinical testing. Allele origin: germline.
Comment: For these reasons, this variant has been classified as Pathogenic. ClinVar contains an entry for this variant (Variation ID: 1213969). This premature translational stop signal has been observed in individual(s) with Stargardt disease (PMID: 31212395). This variant is not present in population databases (gnomAD no frequency). This sequence change creates a premature translational stop signal (p.Ser1099*) in the ABCA4 gene. It is expected to result in an absent or disrupted protein product. Loss-of-function variants in ABCA4 are known to be pathogenic (PMID: 10958761, 24938718, 25312043, 26780318).

DBGen Ocular Genomics
Classification: Pathogenic for Severe early-childhood-onset retinal dystrophy. Last evaluated: 2021-05-31. Review status: criteria provided, single submitter. Criteria: ACMG Guidelines, 2015. Collection method: clinical testing. Allele origin: germline. Affected: yes. Observed: 1 variant allele.

Literature cited by the submitters: PubMed 31212395 (cited by Labcorp Genetics (formerly Invitae), Labcorp); PubMed 10958761 (cited by Labcorp Genetics (formerly Invitae), Labcorp); PubMed 24938718 (cited by Labcorp Genetics (formerly Invitae), Labcorp); PubMed 25312043 (cited by Labcorp Genetics (formerly Invitae), Labcorp); PubMed 26780318 (cited by Labcorp Genetics (formerly Invitae), Labcorp).